The following is an entry in ClinVar:

NM_015311.3(OBSL1):c.3257C>T (p.Ala1086Val)

Gene: OBSL1 (obscurin like cytoskeletal adaptor 1; minus strand). Cytogenetic location: 2q35.
Variant type: single nucleotide variant.
Coding change: c.3257C>T on transcript NM_015311.3 (MANE Select); coding-DNA position 3257, C replaced by T.
Protein change: p.Ala1086Val; replaces alanine 1086 with valine.
Molecular consequence: missense variant.
Genome position (GRCh38, 1-based): chr2:219,558,429, G>A on the plus strand (C>T on the coding strand, the complement: OBSL1 is on the minus strand). VCF-style: chr2-219558429-G-A. GRCh37 (hg19) VCF-style: chr2-220423151-G-A.
Other names: c.3257C>T, p.Ala1086Val (NM_001173431.2); short protein forms A1086V.
Identifiers: ClinVar variation 1014042 (VCV001014042.8), dbSNP rs1351448127, ClinGen allele CA350738032.
Genomic context (GRCh38, chr2:219,558,429, plus strand): 5'-GCCACCTCACAGCGCAGCTCCACGCGCCCTGGAGCCCCAAAATGCAGATCCAGGGAGCGG[G>A]CTGCCGGGTGCACAATCCTCTCTGGTGGGGCTGGTGGGTGGGCATGGAGAGGGGCACATA-3'
Protein context (NP_056126.1, residues 1076-1096): APPERIVHPA[Ala1086Val]RSLDLHFGAP

ClinVar aggregate classification (germline): Uncertain significance (1 of 4 stars; one submission).

Allele frequency attached by ClinVar (database versions not stated): TOPMed below 0.00001; gnomAD 0.00001.

Submission:

Labcorp Genetics (formerly Invitae), Labcorp
Classification: Uncertain significance. Last evaluated: 2022-06-27. Review status: criteria provided, single submitter. Criteria: Invitae Variant Classification Sherloc (09022015). Collection method: clinical testing. Allele origin: germline.
Comment: In summary, the available evidence is currently insufficient to determine the role of this variant in disease. Therefore, it has been classified as a Variant of Uncertain Significance. Algorithms developed to predict the effect of missense changes on protein structure and function (SIFT, PolyPhen-2, Align-GVGD) all suggest that this variant is likely to be tolerated. ClinVar contains an entry for this variant (Variation ID: 1014042). This variant has not been reported in the literature in individuals affected with OBSL1-related conditions. The frequency data for this variant in the population databases is considered unreliable, as metrics indicate poor data quality at this position in the gnomAD database. This sequence change replaces alanine, which is neutral and non-polar, with valine, which is neutral and non-polar, at codon 1086 of the OBSL1 protein (p.Ala1086Val).